The following is an entry in ClinVar:

NM_000218.3(KCNQ1):c.1092C>T (p.Phe364=)

Gene: KCNQ1 (potassium voltage-gated channel subfamily Q member 1; plus strand). Cytogenetic location: 11p15.5.
Variant type: single nucleotide variant.
Coding change: c.1092C>T on transcript NM_000218.3 (MANE Select); coding-DNA position 1092, C replaced by T.
Protein change: p.Phe364=; no amino-acid change (phenylalanine 364 retained).
Molecular consequence: synonymous variant. On other transcripts: intron variant (2).
Genome position (GRCh38, 1-based): chr11:2,585,271, C>T. VCF-style: chr11-2585271-C-T. GRCh37 (hg19) VCF-style: chr11-2606501-C-T.
Other names: c.822C>T, p.Phe274= (NM_001406837.1); c.711C>T, p.Phe237= (NM_181798.2); c.1032+1726C>T (NM_001406836.1); c.588+1726C>T (NM_001406838.1).
Identifiers: ClinVar variation 1247919 (VCV001247919.10), dbSNP rs2133754700, ClinGen allele CA472038502.

ClinVar aggregate classification (germline): Conflicting classifications of pathogenicity. Review status: criteria provided, conflicting classifications (1 of 4 stars). 3 submissions from 3 submitters: Uncertain significance (2); Benign (1). Last evaluated 2024-08-06.

Conditions:
Long QT syndrome (LQTS). Identifiers: MedGen C0023976, MeSH D008133, MONDO:0002442. Disease mechanism: loss of function. Inheritance: Various modes of inheritance.
Cardiovascular phenotype. Identifiers: MedGen CN230736.

Submissions (3):

Labcorp Genetics (formerly Invitae), Labcorp
Classification: Uncertain significance for Long QT syndrome. Last evaluated: 2024-08-06. Review status: criteria provided, single submitter. Criteria: Invitae Variant Classification Sherloc (09022015). Collection method: clinical testing. Allele origin: germline.
Comment: This sequence change affects codon 364 of the KCNQ1 mRNA. It is a 'silent' change, meaning that it does not change the encoded amino acid sequence of the KCNQ1 protein. This variant is not present in population databases (gnomAD no frequency). This variant has not been reported in the literature in individuals affected with KCNQ1-related conditions. ClinVar contains an entry for this variant (Variation ID: 1247919). Algorithms developed to predict the effect of sequence changes on RNA splicing suggest that this variant may disrupt the consensus splice site. In summary, the available evidence is currently insufficient to determine the role of this variant in disease. Therefore, it has been classified as a Variant of Uncertain Significance.

Ambry Genetics
Classification: Uncertain significance for Cardiovascular phenotype. Last evaluated: 2021-10-20. Review status: criteria provided, single submitter. Criteria: Ambry Variant Classification Scheme 2023. Collection method: clinical testing. Allele origin: germline.
Comment: The c.1092C>T (p.F364F) alteration is located in exon 8 (coding exon 8) of the KCNQ1 gene. This alteration consists of a C to T substitution at nucleotide position 1092. This nucleotide substitution does not change the amino acid at codon 364. However, this change occurs in the last nucleotide of Exon 8 (c.1033_1128) which makes it likely to have some effect on normal mRNA splicing. Based on insufficient or conflicting evidence, the clinical significance of this alteration remains unclear.

GeneDx
Classification: Benign. Last evaluated: 2015-03-03. Review status: criteria provided, single submitter. Criteria: GeneDx Variant Classification Process June 2021. Collection method: clinical testing. Allele origin: germline. Affected: yes.